The following is an entry in ClinVar:

NM_017636.4(TRPM4):c.2283_2294del (p.759_762CGGR[1])

Gene: TRPM4 (transient receptor potential cation channel subfamily M member 4; plus strand). Cytogenetic location: 19q13.33.
Variant type: Deletion.
Coding change: c.2283_2294del on transcript NM_017636.4 (MANE Select); coding-DNA positions 2283 to 2294, 12 bases deleted (CCGCTGCGGGGG).
Protein change: p.759_762CGGR[1].
Molecular consequence: inframe deletion. On other transcripts: intron variant (1).
Genome position (GRCh38, 1-based): chr19:49,196,512-49,196,523, CCGCTGCGGGGG deleted; deleting any 12 consecutive bases within chr19:49,196,502-49,196,523 gives the same sequence; the c. name uses the placement nearest the transcript's 3' end. VCF-style (leftmost placement, unchanged base first): chr19-49196501-TGCTGCGGGGGCC-T. GRCh37 (hg19) VCF-style: chr19-49699758-TGCTGCGGGGGCC-T.
Other names: c.1938_1949del, p.644_647CGGR[1] (NM_001321281.2); c.675_686del, p.223_226CGGR[1] (NM_001321282.2); c.1761_1772del, p.585_588CGGR[1] (NM_001321283.2); c.1221_1232del, p.405_408CGGR[1] (NM_001321285.2); c.2211-3788_2211-3777del (NM_001195227.2); c.2283_2294del (NM_017636.3); c.2283_2294del12 (NM_017636.4).
Identifiers: ClinVar variation 415729 (VCV000415729.19), dbSNP rs113100797, ClinGen allele CA9569516.

ClinVar aggregate classification (germline): Benign/Likely benign. Review status: criteria provided, multiple submitters, no conflicts (2 of 4 stars). 7 submissions from 7 submitters: Benign (4); Likely benign (3). Last evaluated 2026-02-03.

Conditions:
Progressive familial heart block type IB (PFHB1B). Identifiers: Orphanet 871, MedGen C1970298, MONDO:0011474, OMIM 604559.
Cardiomyopathy (CMYO). Also called: Cardiomyopathies. Identifiers: Orphanet 167848, MedGen C0878544, MONDO:0004994, HP:0001638. Inheritance: Various modes of inheritance.
Restrictive cardiomyopathy. Identifiers: Orphanet 217632, MedGen C0007196, MeSH D002313, MONDO:0005201, HP:0001723.
Cardiovascular phenotype. Identifiers: MedGen CN230736.

Submissions (7):

Labcorp Genetics (formerly Invitae), Labcorp
Classification: Benign for Progressive familial heart block type IB. Last evaluated: 2026-02-03. Review status: criteria provided, single submitter. Criteria: Invitae Variant Classification Sherloc (09022015). Collection method: clinical testing. Allele origin: germline.

Blueprint Genetics
Classification: Benign. Last evaluated: 2024-11-25. Review status: criteria provided, single submitter. Criteria: ACMG Guidelines, 2015. Collection method: clinical testing. Allele origin: germline.

Women's Health and Genetics/Laboratory Corporation of America, LabCorp
Classification: Likely benign. Last evaluated: 2023-12-17. Review status: criteria provided, single submitter. Criteria: LabCorp Variant Classification Summary - May 2015. Collection method: clinical testing. Allele origin: germline.

Center for Advanced Laboratory Medicine, UC San Diego Health, University of California San Diego
Classification: Likely benign for Cardiomyopathy; Restrictive cardiomyopathy. Last evaluated: 2019-01-22. Review status: criteria provided, single submitter. Criteria: ACMG Guidelines, 2015. Collection method: clinical testing. Allele origin: germline. Affected: yes. Observed: 5 variant alleles.

Molecular Diagnostic Laboratory for Inherited Cardiovascular Disease, Montreal Heart Institute
Classification: Likely benign. Last evaluated: 2017-05-18. Review status: criteria provided, single submitter. Criteria: ACMG Guidelines, 2015. Collection method: clinical testing. Allele origin: germline. Affected: yes.

GeneDx
Classification: Benign. Last evaluated: 2016-10-25. Review status: criteria provided, single submitter. Criteria: GeneDx Variant Classification Process June 2021. Collection method: clinical testing. Allele origin: germline. Affected: yes.

Ambry Genetics
Classification: Benign for Cardiovascular phenotype. Last evaluated: 2016-06-07. Review status: criteria provided, single submitter. Criteria: Ambry Autosomal Dominant and X-Linked criteria (10/2015). Collection method: clinical testing. Allele origin: germline. Observed: 1 variant allele.
Comment: General population or subpopulation frequency is too high to be a pathogenic mutation based on disease/syndrome prevalence and penetrance